The following is an entry in ClinVar:

ClinVar aggregate classification (germline): Likely benign. Review status: criteria provided, multiple submitters, no conflicts (2 of 4 stars). 3 submissions from 3 submitters: Likely benign (2). 1 of the submissions does not count toward it. Last evaluated 2025-04-21.

Conditions:
Developmental and epileptic encephalopathy, 69. Also called: EPILEPTIC ENCEPHALOPATHY, EARLY INFANTILE, 69. Identifiers: MedGen C4748988, MONDO:0032657, OMIM 618285.

Submissions (3):

Labcorp Genetics (formerly Invitae), Labcorp
Classification: Likely benign. Last evaluated: 2025-04-21. Review status: criteria provided, single submitter. Criteria: Invitae Variant Classification Sherloc (09022015). Collection method: clinical testing. Allele origin: germline.

Blueprint Genetics
Classification: Likely benign. Last evaluated: 2024-08-04. Review status: criteria provided, single submitter. Criteria: ACMG Guidelines, 2015. Collection method: clinical testing. Allele origin: germline.

Hong-Tao Li Lab, Institute of Brain Science and Brain-inspired Research, Shandong First Medical University & Shandong Academy of Medical Sciences China
Classification: Uncertain significance for Developmental and epileptic encephalopathy, 69. Review status: no assertion criteria provided. Collection method: research. Allele origin: germline. Inheritance: Autosomal dominant inheritance. Affected: yes. Observed: 1 variant allele, 1 heterozygote. Not counted in ClinVar's aggregate classification.
Comment: Observed in affected individuals from a Pakistani neurodevelopmental-disorder research cohort of 263 individuals. Classification assigned using the ACMG/AMP framework. Population-frequency evidence: gnomAD AF 5.219e-05.

NM_001205293.3(CACNA1E):c.6569AGG[1] (p.Glu2191del)

Gene: CACNA1E (calcium voltage-gated channel subunit alpha1 E; plus strand). Cytogenetic location: 1q25.3.
Variant type: Microsatellite.
Coding change: c.6569AGG[1] on transcript NM_001205293.3 (MANE Select); one copy of the 3-base unit AGG starting at c.6569; the reference has two copies in a row; one copy, 3 bases deleted; also written c.6572_6574del.
Protein change: p.Glu2191del; deletes glutamic acid 2191.
Molecular consequence: inframe deletion.
Genome position (GRCh38, 1-based): chr1:181,798,464-181,798,466, AGG deleted; deleting any 3 consecutive bases within chr1:181,798,460-181,798,466 gives the same sequence; the position shown is the placement nearest the transcript's 3' end. VCF-style (leftmost placement, unchanged base first): chr1-181798459-CGAG-C. GRCh37 (hg19) VCF-style: chr1-181767595-CGAG-C.
Other names: c.6440AGG[1], p.Glu2148del (NM_000721.4); c.6383AGG[1], p.Glu2129del (NM_001205294.2); c.6572_6574del (NM_001205293.3); short protein forms E2129del, E2191del, E2148del.
Identifiers: ClinVar variation 1922371 (VCV001922371.7), dbSNP rs755426393, ClinGen allele CA1276446.
Genomic context (GRCh38, chr1:181,798,459, plus strand): 5'-CCTTTCCTACAGCTCCCTGATTCGACACGCGGGCAGCATCTCTCCACCTGCTGATGGAAG[CGAG>C]GAGGGCTCCCCGCTGACCTCCCAAGCTCTGGAGAGCAACAATGCTTGCCTGACCGAGTCT-3'